The following is an entry in ClinVar:

ClinVar aggregate classification (germline): Pathogenic (1 of 4 stars; one submission).

Submission:

Labcorp Genetics (formerly Invitae), Labcorp
Classification: Pathogenic. Last evaluated: 2024-11-07. Review status: criteria provided, single submitter. Criteria: Invitae Variant Classification Sherloc (09022015). Collection method: clinical testing. Allele origin: germline.
Comment: This sequence change creates a premature translational stop signal (p.Trp479*) in the MBD4 gene. It is expected to result in an absent or disrupted protein product. Loss-of-function variants in MBD4 are known to be pathogenic (PMID: 30049810, 35460607). This variant is present in population databases (rs771000243, gnomAD 0.003%). This variant has not been reported in the literature in individuals affected with MBD4-related conditions. For these reasons, this variant has been classified as Pathogenic.

Literature cited by the submitters: PubMed 30049810; PubMed 35460607.

NM_001276270.2(MBD4):c.1418G>A (p.Trp473Ter)

Gene: MBD4 (methyl-CpG binding domain 4, DNA glycosylase; minus strand). Cytogenetic location: 3q21.3.
Variant type: single nucleotide variant.
Coding change: c.1418G>A on transcript NM_001276270.2 (MANE Select); coding-DNA position 1418, G replaced by A.
Protein change: p.Trp473Ter; replaces tryptophan 473 with a stop codon.
Molecular consequence: nonsense.
Genome position (GRCh38, 1-based): chr3:129,433,223, C>T on the plus strand (G>A on the coding strand, the complement: MBD4 is on the minus strand). VCF-style: chr3-129433223-C-T. GRCh37 (hg19) VCF-style: chr3-129152066-C-T.
Other names: c.1436G>A, p.Trp479Ter (NM_001276271.2, NM_001276272.2, NM_003925.3); c.482G>A, p.Trp161Ter (NM_001276273.2); short protein forms W161*, W473*, W479*.
Identifiers: ClinVar variation 3668596 (VCV003668596.2).